The following is an entry in ClinVar:

ClinVar aggregate classification (germline): Uncertain significance. Review status: criteria provided, multiple submitters, no conflicts (2 of 4 stars). 2 submissions from 2 submitters: Uncertain significance (2). Last evaluated 2024-02-09.

Submissions (2):

Labcorp Genetics (formerly Invitae), Labcorp
Classification: Uncertain significance. Last evaluated: 2024-02-09. Review status: criteria provided, single submitter. Criteria: Invitae Variant Classification Sherloc (09022015). Collection method: clinical testing. Allele origin: germline.
Comment: This sequence change replaces proline, which is neutral and non-polar, with leucine, which is neutral and non-polar, at codon 1192 of the GRIN2D protein (p.Pro1192Leu). This variant is not present in population databases (gnomAD no frequency). This variant has not been reported in the literature in individuals affected with GRIN2D-related conditions. ClinVar contains an entry for this variant (Variation ID: 2116950). Advanced modeling of protein sequence and biophysical properties (such as structural, functional, and spatial information, amino acid conservation, physicochemical variation, residue mobility, and thermodynamic stability) performed at Invitae indicates that this missense variant is not expected to disrupt GRIN2D protein function with a negative predictive value of 95%. In summary, the available evidence is currently insufficient to determine the role of this variant in disease. Therefore, it has been classified as a Variant of Uncertain Significance.

GeneDx
Classification: Uncertain significance. Last evaluated: 2023-02-15. Review status: criteria provided, single submitter. Criteria: GeneDx Variant Classification Process June 2021. Collection method: clinical testing. Allele origin: germline. Affected: yes.
Comment: Not observed at significant frequency in large population cohorts (gnomAD); In silico analysis supports that this missense variant does not alter protein structure/function; Has not been previously published as pathogenic or benign to our knowledge

NM_000836.4(GRIN2D):c.3575C>T (p.Pro1192Leu)

Gene: GRIN2D (glutamate ionotropic receptor NMDA type subunit 2D; plus strand). Cytogenetic location: 19q13.33.
Variant type: single nucleotide variant.
Coding change: c.3575C>T on transcript NM_000836.4 (MANE Select); coding-DNA position 3575, C replaced by T.
Protein change: p.Pro1192Leu; replaces proline 1192 with leucine.
Molecular consequence: missense variant.
Genome position (GRCh38, 1-based): chr19:48,443,501, C>T. VCF-style: chr19-48443501-C-T. GRCh37 (hg19) VCF-style: chr19-48946758-C-T.
Other names: c.3575C>T (NM_000836.2); short protein forms P1192L.
Identifiers: ClinVar variation 2116950 (VCV002116950.5), dbSNP rs1971335060, ClinGen allele CA406676925.
Genomic context (GRCh38, chr19:48,443,501, plus strand): 5'-GCAGCGGTCCGGCCGCCTGGCACTGTCGGCACTGCGCCAGCCTGGAGCTGCTGCCGCCGC[C>T]GCGCCATCTCAGCTGCTCGCACGATGGCCTGGACGGCGGCTGGTGGGCGCCACCGCCTCC-3'
Protein context (NP_000827.2, residues 1182-1202): HCASLELLPP[Pro1192Leu]RHLSCSHDGL